The following is an entry in ClinVar:

NM_000059.4(BRCA2):c.851G>A (p.Gly284Glu)

Gene: BRCA2 (BRCA2 DNA repair associated; plus strand). Cytogenetic location: 13q13.1.
Variant type: single nucleotide variant.
Coding change: c.851G>A on transcript NM_000059.4 (MANE Select); coding-DNA position 851, G replaced by A.
Protein change: p.Gly284Glu; replaces glycine 284 with glutamic acid.
Molecular consequence: missense variant.
Genome position (GRCh38, 1-based): chr13:32,332,329, G>A. VCF-style: chr13-32332329-G-A. GRCh37 (hg19) VCF-style: chr13-32906466-G-A.
Other names: short protein forms G284E.
Identifiers: ClinVar variation 419427 (VCV000419427.13), dbSNP rs1064793865, ClinGen allele CA16619651.

ClinVar aggregate classification (germline): Conflicting classifications of pathogenicity. Review status: criteria provided, conflicting classifications (1 of 4 stars). 5 submissions from 5 submitters: Uncertain significance (3); Likely benign (2). Last evaluated 2026-01-02.

Conditions:
Hereditary cancer-predisposing syndrome. Also called: Hereditary neoplastic syndrome; Tumor predisposition; Neoplastic Syndromes, Hereditary; Hereditary Cancer Syndrome. Identifiers: Orphanet 140162, MedGen C0027672, MeSH D009386, MONDO:0015356.
Hereditary breast ovarian cancer syndrome. Also called: Hereditary breast and ovarian cancer; Hereditary breast and/or ovarian cancer syndrome; Hereditary breast and ovarian cancer syndrome; Hereditary breast and ovarian cancer syndrome (HBOC); Breast and ovarian cancer; BRCA1- and BRCA2-Associated Hereditary Breast and Ovarian Cancer. Identifiers: Orphanet 145, MedGen C0677776, MeSH D061325, MONDO:0003582. Disease mechanism: loss of function.

Submissions (5):

Labcorp Genetics (formerly Invitae), Labcorp
Classification: Uncertain significance for Hereditary breast ovarian cancer syndrome. Last evaluated: 2026-01-02. Review status: criteria provided, single submitter. Criteria: Invitae Variant Classification Sherloc (09022015). Collection method: clinical testing. Allele origin: germline.
Comment: This sequence change replaces glycine, which is neutral and non-polar, with glutamic acid, which is acidic and polar, at codon 284 of the BRCA2 protein (p.Gly284Glu). This variant is not present in population databases (gnomAD no frequency). This variant has not been reported in the literature in individuals affected with BRCA2-related conditions. ClinVar contains an entry for this variant (Variation ID: 419427). Invitae Evidence Modeling of protein sequence and biophysical properties (such as structural, functional, and spatial information, amino acid conservation, physicochemical variation, residue mobility, and thermodynamic stability) indicates that this missense variant is not expected to disrupt BRCA2 protein function with a negative predictive value of 95%. In summary, the available evidence is currently insufficient to determine the role of this variant in disease. Therefore, it has been classified as a Variant of Uncertain Significance.

University of Washington Department of Laboratory Medicine, University of Washington
Classification: Likely benign for Hereditary cancer-predisposing syndrome. Last evaluated: 2023-03-23. Review status: criteria provided, single submitter. Criteria: Dines et al. (Genet Med. 2020). Collection method: curation. Allele origin: germline.
Comment: Missense variant in a coldspot region where missense variants are very unlikely to be pathogenic (PMID:31911673).

BRCA2 exon 10 coldspot. Reclassification based on statistical prior probability.

Ambry Genetics
Classification: Likely benign for Hereditary cancer-predisposing syndrome. Last evaluated: 2019-06-27. Review status: criteria provided, single submitter. Criteria: Ambry Variant Classification Scheme 2023. Collection method: clinical testing. Allele origin: germline.

Quest Diagnostics Nichols Institute San Juan Capistrano
Classification: Uncertain significance. Last evaluated: 2019-05-10. Review status: criteria provided, single submitter. Criteria: Quest Diagnostics criteria. Collection method: clinical testing. Allele origin: germline.

GeneDx
Classification: Uncertain significance. Last evaluated: 2015-07-14. Review status: criteria provided, single submitter. Criteria: GeneDx Variant Classification (06012015). Collection method: clinical testing. Allele origin: germline. Affected: yes.
Comment: This variant is denoted BRCA2 c.851G>A at the cDNA level, p.Gly284Glu (G284E) at the protein level, and results in the change of a Glycine to a Glutamic Acid (GGA>GAA). Using alternate nomenclature, this variant would be defined as BRCA2 1079G>A. This variant has not, to our knowledge, been published in the literature as pathogenic or benign. BRCA2 Gly284Glu was not observed in approximately 6,500 individuals of European and African American ancestry in the NHLBI Exome Sequencing Project, indicating it is not a common benign variant in these populations. Since Glycine and Glutamic Acid differ in polarity, charge, size or other properties, this is considered a non-conservative amino acid substitution. BRCA2 Gly284Glu occurs at a position that is not conserved and is not located in a known functional domain (Roy 2012, Borg 2010, Narod 2004). In silico analyses predict that this variant is unlikely to alter protein structure or function. Based on currently available information, it is unclear whether BRCA2 Gly284Glu is pathogenic or benign. We consider it to be a variant of uncertain significance.